The following is an entry in ClinVar:

NM_001080.3(ALDH5A1):c.44T>G (p.Leu15Arg)

Genes: ALDH5A1 (aldehyde dehydrogenase 5 family member A1; plus strand), GPLD1 (glycosylphosphatidylinositol specific phospholipase D1; minus strand), LOC129995978 (ATAC-STARR-seq lymphoblastoid silent region 16989; plus strand). Cytogenetic location: 6p22.3.
Variant type: single nucleotide variant.
Coding change: c.44T>G on transcript NM_001080.3 (MANE Select); coding-DNA position 44, T replaced by G.
Protein change: p.Leu15Arg; replaces leucine 15 with arginine.
Molecular consequence: missense variant.
Genome position (GRCh38, 1-based): chr6:24,495,040, T>G. VCF-style: chr6-24495040-T-G. GRCh37 (hg19) VCF-style: chr6-24495268-T-G.
Other names: c.44T>G, p.Leu15Arg (NM_001368954.1, NM_170740.1); short protein forms L15R.
Identifiers: ClinVar variation 837332 (VCV000837332.8), dbSNP rs535285968, ClinGen allele CA3656562.

ClinVar aggregate classification (germline): Uncertain significance. Review status: criteria provided, multiple submitters, no conflicts (2 of 4 stars). 2 submissions from 2 submitters: Uncertain significance (2). Last evaluated 2024-06-14.

Conditions:
Succinate-semialdehyde dehydrogenase deficiency (SSADHD). Also called: 4-HYDROXYBUTYRIC ACIDURIA; GABA METABOLIC DEFECT; SSADH DEFICIENCY; Succinic Semialdehyde Dehydrogenase Deficiency. Identifiers: Orphanet 22, MedGen C0268631, MONDO:0010083, OMIM 271980.
Inborn genetic diseases. Identifiers: MedGen C0950123, MeSH D030342.

Allele frequency attached by ClinVar (database versions not stated): gnomAD below 0.00001 and 0.00001; gnomAD exomes 0.00005; ExAC 0.00015.
gnomAD v4.1: 24 of 1,350,640 alleles (0.0018%); highest among the groups gnomAD compares: South Asian, 0.048%; no homozygotes.

Submissions (2):

Ambry Genetics
Classification: Uncertain significance for Inborn genetic diseases. Last evaluated: 2024-06-14. Review status: criteria provided, single submitter. Criteria: Ambry Variant Classification Scheme 2023. Collection method: clinical testing. Allele origin: germline.

Labcorp Genetics (formerly Invitae), Labcorp
Classification: Uncertain significance for Succinate-semialdehyde dehydrogenase deficiency. Last evaluated: 2022-03-19. Review status: criteria provided, single submitter. Criteria: Invitae Variant Classification Sherloc (09022015). Collection method: clinical testing. Allele origin: germline.
Comment: This sequence change replaces leucine, which is neutral and non-polar, with arginine, which is basic and polar, at codon 15 of the ALDH5A1 protein (p.Leu15Arg). This variant is present in population databases (rs535285968, gnomAD 0.04%). This variant has not been reported in the literature in individuals affected with ALDH5A1-related conditions. ClinVar contains an entry for this variant (Variation ID: 837332). Advanced modeling of protein sequence and biophysical properties (such as structural, functional, and spatial information, amino acid conservation, physicochemical variation, residue mobility, and thermodynamic stability) performed at Invitae indicates that this missense variant is not expected to disrupt ALDH5A1 protein function. In summary, the available evidence is currently insufficient to determine the role of this variant in disease. Therefore, it has been classified as a Variant of Uncertain Significance.